The following is an entry in ClinVar:

NM_002439.5(MSH3):c.887G>A (p.Arg296His)

Gene: MSH3 (mutS homolog 3; plus strand). Cytogenetic location: 5q14.1.
Variant type: single nucleotide variant.
Coding change: c.887G>A on transcript NM_002439.5 (MANE Select); coding-DNA position 887, G replaced by A.
Protein change: p.Arg296His; replaces arginine 296 with histidine.
Molecular consequence: missense variant.
Genome position (GRCh38, 1-based): chr5:80,672,338, G>A. VCF-style: chr5-80672338-G-A. GRCh37 (hg19) VCF-style: chr5-79968157-G-A.
Other names: short protein forms R296H.
Identifiers: ClinVar variation 1064046 (VCV001064046.10), dbSNP rs746594395, ClinGen allele CA3327736.

ClinVar aggregate classification (germline): Uncertain significance. Review status: criteria provided, multiple submitters, no conflicts (2 of 4 stars). 2 submissions from 2 submitters: Uncertain significance (2). Last evaluated 2025-02-26.

Conditions:
Hereditary cancer-predisposing syndrome. Also called: Hereditary Cancer Syndrome; Hereditary neoplastic syndrome; Neoplastic Syndromes, Hereditary; Tumor predisposition. Identifiers: Orphanet 140162, MedGen C0027672, MeSH D009386, MONDO:0015356.

Allele frequency attached by ClinVar (database versions not stated): TOPMed below 0.00001; ExAC 0.00001; gnomAD exomes 0.00001.
gnomAD v4.1: 5 of 1,613,418 alleles (0.00031%); highest among the groups gnomAD compares: South Asian, 0.0022%; no homozygotes.

Submissions (2):

Labcorp Genetics (formerly Invitae), Labcorp
Classification: Uncertain significance. Last evaluated: 2025-02-26. Review status: criteria provided, single submitter. Criteria: Invitae Variant Classification Sherloc (09022015). Collection method: clinical testing. Allele origin: germline.
Comment: This sequence change replaces arginine, which is basic and polar, with histidine, which is basic and polar, at codon 296 of the MSH3 protein (p.Arg296His). This variant is present in population databases (rs746594395, gnomAD 0.01%). This variant has not been reported in the literature in individuals affected with MSH3-related conditions. ClinVar contains an entry for this variant (Variation ID: 1064046). An algorithm developed to predict the effect of missense changes on protein structure and function (PolyPhen-2) suggests that this variant is likely to be disruptive. In summary, the available evidence is currently insufficient to determine the role of this variant in disease. Therefore, it has been classified as a Variant of Uncertain Significance.

Ambry Genetics
Classification: Uncertain significance for Hereditary cancer-predisposing syndrome. Last evaluated: 2025-01-09. Review status: criteria provided, single submitter. Criteria: Ambry Variant Classification Scheme 2023. Collection method: clinical testing. Allele origin: germline.
Comment: The p.R296H variant (also known as c.887G>A), located in coding exon 5 of the MSH3 gene, results from a G to A substitution at nucleotide position 887. The arginine at codon 296 is replaced by histidine, an amino acid with highly similar properties. This amino acid position is conserved. In addition, this alteration is predicted to be deleterious by in silico analysis. Since supporting evidence is limited at this time, the clinical significance of this alteration remains unclear.